The following is an entry in ClinVar:

ClinVar aggregate classification (germline): Likely benign (1 of 4 stars; one submission).

Allele frequency attached by ClinVar (database versions not stated): ExAC 0.00002; TOPMed 0.00003; gnomAD 0.00006; ESP Exome Variant Server 0.00008.
gnomAD v4.1: 78 of 1,613,148 alleles (0.0048%); highest among the groups gnomAD compares: Non-Finnish European, 0.0059%; no homozygotes.

Submission:

CeGaT Center for Human Genetics Tuebingen
Classification: Likely benign. Last evaluated: 2022-10-01. Review status: criteria provided, single submitter. Criteria: CeGaT Center For Human Genetics Tuebingen Variant Classification Criteria Version 2. Collection method: clinical testing. Allele origin: germline. Affected: yes. Observed: 1 variant allele.
Comment: ATAD3A: BP4, BP7

NM_001170535.3(ATAD3A):c.1488G>A (p.Pro496=)

Gene: ATAD3A (ATPase family AAA domain containing 3A; plus strand). Cytogenetic location: 1p36.33.
Variant type: single nucleotide variant.
Coding change: c.1488G>A on transcript NM_001170535.3 (MANE Select); coding-DNA position 1488, G replaced by A.
Protein change: p.Pro496=; no amino-acid change (proline 496 retained).
Molecular consequence: synonymous variant.
Genome position (GRCh38, 1-based): chr1:1,527,845, G>A. VCF-style: chr1-1527845-G-A. GRCh37 (hg19) VCF-style: chr1-1463225-G-A.
Other names: c.1251G>A, p.Pro417= (NM_001170536.3); c.1632G>A, p.Pro544= (NM_018188.5).
Identifiers: ClinVar variation 2638038 (VCV002638038.24), dbSNP rs377483917, ClinGen allele CA526422.